The following is an entry in ClinVar:

ClinVar aggregate classification (germline): Uncertain significance (1 of 4 stars; one submission).

Allele frequency attached by ClinVar (database versions not stated): gnomAD 0.00001; gnomAD exomes 0.00003.
gnomAD v4.1: 15 of 1,411,180 alleles (0.0011%); no homozygotes.

Submission:

Labcorp Genetics (formerly Invitae), Labcorp
Classification: Uncertain significance. Last evaluated: 2023-07-19. Review status: criteria provided, single submitter. Criteria: Invitae Variant Classification Sherloc (09022015). Collection method: clinical testing. Allele origin: germline.
Comment: In summary, the available evidence is currently insufficient to determine the role of this variant in disease. Therefore, it has been classified as a Variant of Uncertain Significance. An algorithm developed to predict the effect of missense changes on protein structure and function (PolyPhen-2) suggests that this variant is likely to be tolerated. This variant has not been reported in the literature in individuals affected with SPEG-related conditions. The frequency data for this variant in the population databases is considered unreliable, as metrics indicate poor data quality at this position in the gnomAD database. This sequence change replaces threonine, which is neutral and polar, with isoleucine, which is neutral and non-polar, at codon 544 of the SPEG protein (p.Thr544Ile).

NM_005876.5(SPEG):c.1631C>T (p.Thr544Ile)

Gene: SPEG (striated muscle enriched protein kinase; plus strand). Cytogenetic location: 2q35.
Variant type: single nucleotide variant.
Coding change: c.1631C>T on transcript NM_005876.5 (MANE Select); coding-DNA position 1631, C replaced by T.
Protein change: p.Thr544Ile; replaces threonine 544 with isoleucine.
Molecular consequence: missense variant.
Genome position (GRCh38, 1-based): chr2:219,448,789, C>T. VCF-style: chr2-219448789-C-T. GRCh37 (hg19) VCF-style: chr2-220313511-C-T.
Other names: short protein forms T544I.
Identifiers: ClinVar variation 2959518 (VCV002959518.3), dbSNP rs1392770675, ClinGen allele CA350722472.
Genomic context (GRCh38, chr2:219,448,789, plus strand): 5'-CCCCATCCCCTCGAGAGCCCGGCGAGCCCCCGCTCTTCTCTCGGCCCTCCACCCCCAAGA[C>T]ATCGCGGGCCGTGAGCCCCGCCGCCGCCCAGCCGCCCTCTCCGAGCAGCGCGGAGAAGCC-3'
Protein context (NP_005867.3, residues 534-554): PLFSRPSTPK[Thr544Ile]SRAVSPAAAQ